The following is an entry in ClinVar:

NM_000039.3(APOA1):c.608A>G (p.Glu203Gly)

Gene: APOA1 (apolipoprotein A1; minus strand). Cytogenetic location: 11q23.3.
Variant type: single nucleotide variant.
Coding change: c.608A>G on transcript NM_000039.3 (MANE Select); coding-DNA position 608, A replaced by G.
Protein change: p.Glu203Gly; replaces glutamic acid 203 with glycine.
Molecular consequence: missense variant.
Genome position (GRCh38, 1-based): chr11:116,836,004, T>C on the plus strand (A>G on the coding strand, the complement: APOA1 is on the minus strand). VCF-style: chr11-116836004-T-C. GRCh37 (hg19) VCF-style: chr11-116706720-T-C.
Other names: c.608A>G, p.Glu203Gly (NM_001318017.2, NM_001318018.2, NM_001425090.1); c.281A>G, p.Glu94Gly (NM_001318021.2, NM_001425091.1, NM_001425092.1); c.563A>G, p.Glu188Gly (NM_001425093.1); short protein forms E188G, E94G, E203G.
Identifiers: ClinVar variation 3884156 (VCV003884156.1).

ClinVar aggregate classification (germline): Uncertain significance (1 of 4 stars; one submission).

Conditions:
Cardiovascular phenotype. Identifiers: MedGen CN230736.

Submission:

Ambry Genetics
Classification: Uncertain significance for Cardiovascular phenotype. Last evaluated: 2025-01-10. Review status: criteria provided, single submitter. Criteria: Ambry Variant Classification Scheme 2023. Collection method: clinical testing. Allele origin: germline.
Comment: The p.E203G variant (also known as c.608A>G), located in coding exon 3 of the APOA1 gene, results from an A to G substitution at nucleotide position 608. The glutamic acid at codon 203 is replaced by glycine, an amino acid with similar properties. This amino acid position is conserved. In addition, this alteration is predicted to be tolerated by in silico analysis. Based on the available evidence, the clinical significance of this variant remains unclear.